The following is an entry in ClinVar:

ClinVar aggregate classification (germline): Pathogenic. Review status: reviewed by expert panel (3 of 4 stars). 9 submissions from 9 submitters: Pathogenic (1). 8 of the submissions do not count toward it. Last evaluated 2024-02-20.

Conditions:
Retinitis pigmentosa 87 with choroidal involvement. Identifiers: MedGen C5231465, MONDO:0032873, OMIM 618697.
Leber congenital amaurosis 2 (LCA2). Also called: AMAUROSIS CONGENITA OF LEBER II; Autosomal Recessive RPE65-Related Retinal Degeneration. Identifiers: Orphanet 65, MedGen C1859844, MONDO:0008765, OMIM 204100. Disease mechanism: loss of function.
Retinitis pigmentosa 20 (RP20). Identifiers: Orphanet 791, MedGen C3151086, MONDO:0013425, OMIM 613794.
Leber congenital amaurosis (LCA). Also called: Leber's amaurosis. Identifiers: Orphanet 65, MedGen C0339527, MeSH D057130, MONDO:0018998.
RPE65-related disorder. Also called: RPE65-related condition; RPE65-related disorders. Identifiers: MedGen CN239301.
RPE65-related recessive retinopathy. Also called: Recessive RPE65 retinopathy. Identifiers: MedGen CN305526, MONDO:0100368.

Submissions (9):

ClinGen Leber Congenital Amaurosis/early Onset Retinal Dystrophy Variant Curation Expert Panel, ClinGen
Classification: Pathogenic for RPE65-related recessive retinopathy. Last evaluated: 2024-02-20. Review status: reviewed by expert panel. Criteria: ClinGen LCAeoRD ACMG Specifications RPE65 V1.0.0. Collection method: curation. Allele origin: germline. Inheritance: Autosomal recessive inheritance.
Comment: NM_000329.3(RPE65):c.893delA (p.Lys298fs) is a frameshift variant that introduces a premature stop codon into exon 9 of 14, and is predicted to lead to nonsense-mediated decay in a gene in which loss-of-function is an established mechanism of disease (PVS1). This variant is present in gnomAD v.2.1.1 at a GrpMax allele frequency of 0.00002294, with 7 alleles / 129102 total alleles in the European (non-Finnish) population, which is lower than the ClinGen LCA / eoRD VCEP PM2_Supporting threshold of <0.0002 (PM2_Supporting). At least two probands harboring this variant exhibit a phenotype including undetectable ERG responses from rods (0.5 pts) and cones (1 pt), nystagmus (1 pt), retinal pigment epithelial mottling (0.5 pts), and reduced visual acuity (1 pt), which together are specific for RPE65-related recessive retinopathy (4 total points, PMID: 35129589, PP4). This variant has been reported in at least 1 proband with early-onset severe retinal dystrophy who was homozygous for the variant (0.5 pts, PMID: 35129589, PM3_Supporting). In summary, this variant meets the criteria to be classified as pathogenic for RPE65-related recessive retinopathy based on the ACMG/AMP criteria applied, as specified by the ClinGen LCA / eoRD VCEP: PVS1, PM2_Supporting, PM3_Supporting, and PP4. (VCEP specifications version 1.0.0; date of approval 09/21/2023).

PreventionGenetics, part of Exact Sciences
Classification: Pathogenic for RPE65-related condition. Last evaluated: 2026-03-04. Review status: criteria provided, single submitter. Criteria: ACMG Guidelines, 2015. Collection method: clinical testing. Allele origin: germline. Not counted in ClinVar's aggregate classification.
Comment: The RPE65 c.893delA variant is predicted to result in a frameshift and premature protein termination (p.Lys298Serfs*27). This variant has been reported in the homozygous and compound heterozygous states in individuals with Leber congenital amaurosis (Zernant et al. 2005. PubMed ID: 16123401; Wang et al. 2014. PubMed ID: 24154662; Bernardis et al. 2016. PubMed ID: 28127548). This variant is present in 0.0054% of alleles in individuals of European (Non-Finnish) descent in gnomAD. Frameshift variants in RPE65 are an established mechanism of disease, and this variant has been classified as pathogenic by a ClinGen Variant Curation Expert Panel in ClinVar (Variation ID: 372493). Given the evidence, we interpret this variant as pathogenic.

Natera, Inc.
Classification: Pathogenic for Leber congenital amaurosis. Last evaluated: 2025-12-15. Review status: criteria provided, single submitter. Criteria: Natera Variant Classification Schema (03/2026). Collection method: clinical testing. Allele origin: germline. Not counted in ClinVar's aggregate classification.
Comment: The c.893delA variant in RPE65 is a frameshift variant predicted to shift the reading frame beginning at codon 298 and leads to a stop codon 27 codons downstream. This variant is expected to result in nonsense mediated decay, truncation, or a dysfunctional protein product. This variant is rare in the general population with a frequency below the threshold expected for the associated phenotype(s). This variant has been observed in one or more individuals affected with the associated recessive disease, as either homozygous or compound heterozygous with a second variant (PMID: 24154662, 35129589). Given the available evidence, this variant is classified as Pathogenic.

Labcorp Genetics (formerly Invitae), Labcorp
Classification: Pathogenic for Leber congenital amaurosis 2; Retinitis pigmentosa 20. Last evaluated: 2025-11-24. Review status: criteria provided, single submitter. Criteria: Invitae Variant Classification Sherloc (09022015). Collection method: clinical testing. Allele origin: germline. Not counted in ClinVar's aggregate classification.
Comment: This sequence change creates a premature translational stop signal (p.Lys298Serfs*27) in the RPE65 gene. It is expected to result in an absent or disrupted protein product. Loss-of-function variants in RPE65 are known to be pathogenic (PMID: 9326941, 9501220, 9843205, 18632300). This variant is present in population databases (rs757246161, gnomAD 0.006%). This premature translational stop signal has been observed in individual(s) with Leber congenital amaurosis (internal data). In at least one individual the data is consistent with being in trans (on the opposite chromosome) from a pathogenic variant. ClinVar contains an entry for this variant (Variation ID: 372493). For these reasons, this variant has been classified as Pathogenic.

Fulgent Genetics
Classification: Pathogenic for Leber congenital amaurosis 2; Retinitis pigmentosa 20; Retinitis pigmentosa 87 with choroidal involvement. Last evaluated: 2024-04-27. Review status: criteria provided, single submitter. Criteria: ACMG Guidelines, 2015. Collection method: clinical testing. Allele origin: germline. Not counted in ClinVar's aggregate classification.

GeneDx
Classification: Pathogenic. Last evaluated: 2024-04-08. Review status: criteria provided, single submitter. Criteria: GeneDx Variant Classification Process June 2021. Collection method: clinical testing. Allele origin: germline. Affected: yes. Not counted in ClinVar's aggregate classification.
Comment: Frameshift variant predicted to result in protein truncation or nonsense mediated decay in a gene for which loss of function is a known mechanism of disease; This variant is associated with the following publications: (PMID: 17848510, 17964524, 10766140, 16123401, 18055820, 31964843, 36460718, 24154662, 11462243)

Baylor Genetics
Classification: Pathogenic for Leber congenital amaurosis 2. Last evaluated: 2024-03-30. Review status: criteria provided, single submitter. Criteria: ACMG Guidelines, 2015. Collection method: clinical testing. Allele origin: unknown. Not counted in ClinVar's aggregate classification.

Blueprint Genetics
Classification: Pathogenic for RPE65-related disorders. Last evaluated: 2023-10-02. Review status: criteria provided, single submitter. Criteria: ACMG Guidelines, 2015. Collection method: clinical testing. Allele origin: germline. Affected: yes. Observed: 5 variant alleles. Not counted in ClinVar's aggregate classification.

Retina International
No classification provided. Review status: no classification provided. Collection method: not provided. Allele origin: not provided. Not counted in ClinVar's aggregate classification.

Literature cited by the submitters: PubMed 24154662 (cited by Natera, Inc.); PubMed 35129589 (cited by Natera, Inc.); PubMed 9326941 (cited by Labcorp Genetics (formerly Invitae), Labcorp); PubMed 9501220 (cited by Labcorp Genetics (formerly Invitae), Labcorp); PubMed 9843205 (cited by Labcorp Genetics (formerly Invitae), Labcorp); PubMed 18632300 (cited by Labcorp Genetics (formerly Invitae), Labcorp).

NM_000329.3(RPE65):c.893del (p.Lys298fs)

Gene: RPE65 (retinoid isomerohydrolase RPE65; minus strand). Cytogenetic location: 1p31.3.
Variant type: Deletion.
Coding change: c.893del on transcript NM_000329.3 (MANE Select); coding-DNA position 893, one base deleted (A; older notation c.893delA).
Protein change: p.Lys298fs; shifts the reading frame from lysine 298.
Molecular consequence: frameshift variant.
Genome position (GRCh38, 1-based): chr1:68,439,047, T deleted on the plus strand (A on the coding strand, the reverse complement: RPE65 is on the minus strand); the first of 5 consecutive T bases (chr1:68,439,047-68,439,051); deleting any one gives the same sequence. VCF-style (leftmost placement, unchanged base first): chr1-68439046-CT-C. GRCh37 (hg19) VCF-style: chr1-68904729-CT-C.
Other names: NM_000329.3(RPE65):c.893del; p.Lys298fs; c.893del (NM_000329.2); c.889delA (NM_000329.2); c.893delA (NM_000329.3); short protein forms K298fs.
Identifiers: ClinVar variation 372493 (VCV000372493.23), dbSNP rs61752902, ClinGen allele CA226586.